The following is an entry in ClinVar:

NM_003848.4(SUCLG2):c.296G>A (p.Gly99Asp)

Gene: SUCLG2 (succinate-CoA ligase GDP-forming subunit beta; minus strand). Cytogenetic location: 3p14.1.
Variant type: single nucleotide variant.
Coding change: c.296G>A on transcript NM_003848.4 (MANE Select); coding-DNA position 296, G replaced by A.
Protein change: p.Gly99Asp; replaces glycine 99 with aspartic acid.
Molecular consequence: missense variant.
Genome position (GRCh38, 1-based): chr3:67,529,117, C>T on the plus strand (G>A on the coding strand, the complement: SUCLG2 is on the minus strand). VCF-style: chr3-67529117-C-T. GRCh37 (hg19) VCF-style: chr3-67579541-C-T.
Other names: c.296G>A, p.Gly99Asp (NM_001177599.2); short protein forms G99D.
Identifiers: ClinVar variation 2043908 (VCV002043908.4), dbSNP rs1158747468, ClinGen allele CA353555035.

ClinVar aggregate classification (germline): Uncertain significance (1 of 4 stars; one submission).

Allele frequency attached by ClinVar (database versions not stated): gnomAD exomes below 0.00001.
gnomAD v4.1: 2 of 1,613,124 alleles (0.00012%); highest among the groups gnomAD compares: South Asian, 0.0011%; no homozygotes.

Submission:

Labcorp Genetics (formerly Invitae), Labcorp
Classification: Uncertain significance. Last evaluated: 2022-04-28. Review status: criteria provided, single submitter. Criteria: Invitae Variant Classification Sherloc (09022015). Collection method: clinical testing. Allele origin: germline.
Comment: In summary, the available evidence is currently insufficient to determine the role of this variant in disease. Therefore, it has been classified as a Variant of Uncertain Significance. Algorithms developed to predict the effect of missense changes on protein structure and function (SIFT, PolyPhen-2, Align-GVGD) all suggest that this variant is likely to be disruptive. This variant has not been reported in the literature in individuals affected with SUCLG2-related conditions. This variant is present in population databases (no rsID available, gnomAD 0.003%). This sequence change replaces glycine, which is neutral and non-polar, with aspartic acid, which is acidic and polar, at codon 99 of the SUCLG2 protein (p.Gly99Asp).